The following is an entry in ClinVar:

ClinVar aggregate classification (germline): Uncertain significance (1 of 4 stars; one submission).

Submission:

Labcorp Genetics (formerly Invitae), Labcorp
Classification: Uncertain significance. Last evaluated: 2026-01-07. Review status: criteria provided, single submitter. Criteria: Invitae Variant Classification Sherloc (09022015). Collection method: clinical testing. Allele origin: germline.
Comment: This variant, c.192_200dup, results in the insertion of 3 amino acid(s) of the HOXD13 protein (p.Ala69_Ala71dup), but otherwise preserves the integrity of the reading frame. This variant is not present in population databases (gnomAD no frequency). This variant has not been reported in the literature in individuals affected with HOXD13-related conditions. In summary, the available evidence is currently insufficient to determine the role of this variant in disease. Therefore, it has been classified as a Variant of Uncertain Significance.

NM_000523.4(HOXD13):c.192_200dup (p.Ala71_Ser72insAlaAlaAla)

Gene: HOXD13 (homeobox D13; plus strand). Cytogenetic location: 2q31.1.
Variant type: Duplication.
Coding change: c.192_200dup on transcript NM_000523.4 (MANE Select); coding-DNA positions 192 to 200, 9 bases duplicated (TGCGGCGGC; older notation c.192_200dupTGCGGCGGC).
Protein change: p.Ala71_Ser72insAlaAlaAla.
Genome position (GRCh38, 1-based): chr2:176,093,082-176,093,090, TGCGGCGGC duplicated; duplicating any 9 consecutive bases within chr2:176,093,074-176,093,090 gives the same sequence; the c. name uses the placement nearest the transcript's 3' end. VCF-style (leftmost placement, unchanged base first): chr2-176093073-A-AGCGGCGGCT. GRCh37 (hg19) VCF-style: chr2-176957801-A-AGCGGCGGCT.
Identifiers: ClinVar variation 4764030 (VCV004764030.1).
Genomic context (GRCh38, chr2:176,093,073, plus strand): 5'-CGGCTTTCTCTCCGCGCCTGTGTTCGCCGGGACGCATTCGGGGCGGGCGGCGGCGGCGGC[A>AGCGGCGGCT]GCGGCGGCTGCGGCGGCGGCGGCGGCAGCCTCCGGCTTTGCGTACCCCGGGACCTCTGAG-3'